The following is an entry in ClinVar:

ClinVar aggregate classification (germline): Pathogenic. Review status: criteria provided, multiple submitters, no conflicts (2 of 4 stars). 2 submissions from 2 submitters: Pathogenic (2). Last evaluated 2025-11-19.

Conditions:
LAMA2-related muscular dystrophy (LAMA2-RD). Also called: Laminin alpha 2-related dystrophy. Identifiers: MedGen C5679788, MONDO:0100228.

Submissions (2):

Myriad Genetics, Inc.
Classification: Pathogenic for LAMA2-related muscular dystrophy. Last evaluated: 2025-11-19. Review status: criteria provided, single submitter. Criteria: Myriad Autosomal Dominant, Autosomal Recessive and X-Linked Classification Criteria (2023). Collection method: clinical testing. Allele origin: unknown.
Comment: NM_000426.3(LAMA2):c.47delG(G16Afs*29) is a frameshift variant classified as pathogenic in the context of muscular dystrophy, LAMA2-related. G16Afs*29 has been observed in a case with relevant disease (PMID: 32028919). Relevant functional assessments of this variant are not available in the literature. G16Afs*29 has not been observed in referenced population frequency databases. In summary, NM_000426.3(LAMA2):c.47delG(G16Afs*29) is a frameshift variant in a gene where loss of function is a known mechanism of disease, is predicted to disrupt protein function, and has been observed more frequently in cases with the relevant disease than in healthy populations. Please note: this variant was assessed in the context of healthy population screening.

Labcorp Genetics (formerly Invitae), Labcorp
Classification: Pathogenic for LAMA2-related muscular dystrophy. Last evaluated: 2024-03-08. Review status: criteria provided, single submitter. Criteria: Invitae Variant Classification Sherloc (09022015). Collection method: clinical testing. Allele origin: germline.
Comment: This sequence change creates a premature translational stop signal (p.Gly16Alafs*29) in the LAMA2 gene. It is expected to result in an absent or disrupted protein product. Loss-of-function variants in LAMA2 are known to be pathogenic (PMID: 18700894, 32904964). This variant is not present in population databases (gnomAD no frequency). This premature translational stop signal has been observed in individual(s) with congenital muscular dystrophy type 1A (PMID: 30055037). For these reasons, this variant has been classified as Pathogenic.

Literature cited by the submitters: PubMed 32028919 (cited by Myriad Genetics, Inc.); PubMed 18700894 (cited by Labcorp Genetics (formerly Invitae), Labcorp); PubMed 32904964 (cited by Labcorp Genetics (formerly Invitae), Labcorp); PubMed 30055037 (cited by Labcorp Genetics (formerly Invitae), Labcorp).

NM_000426.4(LAMA2):c.47del (p.Gly16fs)

Gene: LAMA2 (laminin subunit alpha 2; plus strand). Cytogenetic location: 6q22.33.
Variant type: Deletion.
Coding change: c.47del on transcript NM_000426.4 (MANE Select); coding-DNA position 47, one base deleted (G; older notation c.47delG).
Protein change: p.Gly16fs; shifts the reading frame from glycine 16.
Molecular consequence: frameshift variant.
Genome position (GRCh38, 1-based): chr6:128,883,292, G deleted; the last of 2 consecutive G bases (chr6:128,883,291-128,883,292); deleting either gives the same sequence. VCF-style (leftmost placement, unchanged base first): chr6-128883290-AG-A. GRCh37 (hg19) VCF-style: chr6-129204435-AG-A.
Other names: c.47del, p.Gly16fs (NM_001079823.2); short protein forms G16fs.
Identifiers: ClinVar variation 3677156 (VCV003677156.3).